The following is an entry in ClinVar:

NM_020631.6(PLEKHG5):c.2151G>C (p.Glu717Asp)

Gene: PLEKHG5 (pleckstrin homology and RhoGEF domain containing G5; minus strand). Cytogenetic location: 1p36.31.
Variant type: single nucleotide variant.
Coding change: c.2151G>C on transcript NM_020631.6 (MANE Select); coding-DNA position 2151, G replaced by C.
Protein change: p.Glu717Asp; replaces glutamic acid 717 with aspartic acid.
Molecular consequence: missense variant.
Genome position (GRCh38, 1-based): chr1:6,469,140, C>G on the plus strand (G>C on the coding strand, the complement: PLEKHG5 is on the minus strand). VCF-style: chr1-6469140-C-G. GRCh37 (hg19) VCF-style: chr1-6529200-C-G.
Other names: c.2262G>C, p.Glu754Asp (NM_001042663.3, NM_001265592.2); c.2151G>C, p.Glu717Asp (NM_001042664.2, NM_001042665.2, NM_001265594.3 and 1 more transcripts); c.2358G>C, p.Glu786Asp (NM_001265593.2); short protein forms E717D, E754D, E786D.
Identifiers: ClinVar variation 1508018 (VCV001508018.3), dbSNP rs761945225, ClinGen allele CA561241.

ClinVar aggregate classification (germline): Uncertain significance (1 of 4 stars; one submission).

Conditions:
Charcot-Marie-Tooth disease recessive intermediate C. Also called: CHARCOT-MARIE-TOOTH NEUROPATHY, RECESSIVE INTERMEDIATE C. Identifiers: Orphanet 369867, MedGen C3809309, MONDO:0014154, OMIM 615376.
Neuronopathy, distal hereditary motor, autosomal recessive 4. Also called: Autosomal recessive lower motor neuron disease with childhood onset; NEUROPATHY, DISTAL HEREDITARY MOTOR, AUTOSOMAL RECESSIVE 4. Identifiers: Orphanet 206580, MedGen C1970211, MONDO:0012608, OMIM 611067.

Allele frequency attached by ClinVar (database versions not stated): ExAC 0.00002.
gnomAD v4.1: 7 of 1,612,506 alleles (0.00043%); highest among the groups gnomAD compares: Admixed American, 0.0033%; no homozygotes.

Submission:

Labcorp Genetics (formerly Invitae), Labcorp
Classification: Uncertain significance for Neuronopathy, distal hereditary motor, autosomal recessive 4; Charcot-Marie-Tooth disease recessive intermediate C. Last evaluated: 2022-07-19. Review status: criteria provided, single submitter. Criteria: Invitae Variant Classification Sherloc (09022015). Collection method: clinical testing. Allele origin: germline.
Comment: This sequence change replaces glutamic acid, which is acidic and polar, with aspartic acid, which is acidic and polar, at codon 717 of the PLEKHG5 protein (p.Glu717Asp). The frequency data for this variant in the population databases is considered unreliable, as metrics indicate poor data quality at this position in the gnomAD database. This variant has not been reported in the literature in individuals affected with PLEKHG5-related conditions. ClinVar contains an entry for this variant (Variation ID: 1508018). Algorithms developed to predict the effect of missense changes on protein structure and function output the following: SIFT: "Tolerated"; PolyPhen-2: "Benign"; Align-GVGD: "Class C0". The aspartic acid amino acid residue is found in multiple mammalian species, which suggests that this missense change does not adversely affect protein function. In summary, the available evidence is currently insufficient to determine the role of this variant in disease. Therefore, it has been classified as a Variant of Uncertain Significance.